The following is an entry in ClinVar:

ClinVar aggregate classification (germline): Likely benign (1 of 4 stars; one submission).

Allele frequency attached by ClinVar (database versions not stated): ExAC 0.00003; gnomAD 0.00005.
gnomAD v4.1: 64 of 1,612,878 alleles (0.004%); highest among the groups gnomAD compares: East Asian, 0.0067%; no homozygotes.

Submission:

CeGaT Center for Human Genetics Tuebingen
Classification: Likely benign. Last evaluated: 2022-12-01. Review status: criteria provided, single submitter. Criteria: CeGaT Center For Human Genetics Tuebingen Variant Classification Criteria Version 2. Collection method: clinical testing. Allele origin: germline. Affected: yes. Observed: 1 variant allele.
Comment: NOLC1: BP4, BP7

NM_004741.5(NOLC1):c.657T>C (p.Ser219=)

Gene: NOLC1 (nucleolar and coiled-body phosphoprotein 1; plus strand). Cytogenetic location: 10q24.32.
Variant type: single nucleotide variant.
Coding change: c.657T>C on transcript NM_004741.5 (MANE Select); coding-DNA position 657, T replaced by C.
Protein change: p.Ser219=; no amino-acid change (serine 219 retained).
Molecular consequence: synonymous variant.
Genome position (GRCh38, 1-based): chr10:102,159,242, T>C. VCF-style: chr10-102159242-T-C. GRCh37 (hg19) VCF-style: chr10-103918999-T-C.
Other names: c.657T>C, p.Ser219= (NM_001284388.2); c.660T>C, p.Ser220= (NM_001284389.2).
Identifiers: ClinVar variation 2640786 (VCV002640786.24), dbSNP rs947271307, ClinGen allele CA5661976.